The following is an entry in ClinVar:

NM_002230.4(JUP):c.722C>T (p.Ser241Leu)

Gene: JUP (junction plakoglobin; minus strand). Cytogenetic location: 17q21.2.
Variant type: single nucleotide variant.
Coding change: c.722C>T on transcript NM_002230.4 (MANE Select); coding-DNA position 722, C replaced by T.
Protein change: p.Ser241Leu; replaces serine 241 with leucine.
Molecular consequence: missense variant.
Genome position (GRCh38, 1-based): chr17:41,767,566, G>A on the plus strand (C>T on the coding strand, the complement: JUP is on the minus strand). VCF-style: chr17-41767566-G-A. GRCh37 (hg19) VCF-style: chr17-39923818-G-A.
Other names: c.722C>T, p.Ser241Leu (NM_001352773.2, NM_001352774.2, NM_001352775.2 and 3 more transcripts); short protein forms S241L.
Identifiers: ClinVar variation 1757803 (VCV001757803.6), dbSNP rs782020555, ClinGen allele CA8565389.

ClinVar aggregate classification (germline): Uncertain significance. Review status: criteria provided, multiple submitters, no conflicts (2 of 4 stars). 2 submissions from 2 submitters: Uncertain significance (2). Last evaluated 2024-12-18.

Conditions:
Cardiovascular phenotype. Identifiers: MedGen CN230736.
Arrhythmogenic right ventricular dysplasia 12. Also called: ARRHYTHMOGENIC RIGHT VENTRICULAR DYSPLASIA, FAMILIAL, 12. Identifiers: MedGen C1969081, MONDO:0012684, OMIM 611528.
Naxos disease (NXD). Also called: KERATOSIS PALMOPLANTARIS WITH ARRHYTHMOGENIC CARDIOMYOPATHY; MAL DE NAXOS; PALMOPLANTAR KERATODERMA WITH ARRHYTHMOGENIC RIGHT VENTRICULAR CARDIOMYOPATHY AND WOOLLY HAIR; WOOLLY HAIR, PALMOPLANTAR KERATODERMA, AND CARDIAC ABNORMALITIES; CARDIOMYOPATHY, ARRHYTHMOGENIC RIGHT VENTRICULAR, WITH SKIN, HAIR, AND NAIL ABNORMALITIES. Identifiers: Orphanet 34217, MedGen C1832600, MONDO:0011017, OMIM 601214.

Allele frequency attached by ClinVar (database versions not stated): TOPMed below 0.00001; ExAC 0.00001; gnomAD 0.00001.
gnomAD v4.1: 11 of 1,432,878 alleles (0.00077%); highest among the groups gnomAD compares: South Asian, 0.0023%; no homozygotes.

Submissions (2):

Labcorp Genetics (formerly Invitae), Labcorp
Classification: Uncertain significance for Arrhythmogenic right ventricular dysplasia 12; Naxos disease. Last evaluated: 2024-12-18. Review status: criteria provided, single submitter. Criteria: Invitae Variant Classification Sherloc (09022015). Collection method: clinical testing. Allele origin: germline.
Comment: This sequence change replaces serine, which is neutral and polar, with leucine, which is neutral and non-polar, at codon 241 of the JUP protein (p.Ser241Leu). This variant is present in population databases (rs782020555, gnomAD 0.006%). This variant has not been reported in the literature in individuals affected with JUP-related conditions. ClinVar contains an entry for this variant (Variation ID: 1757803). An algorithm developed to predict the effect of missense changes on protein structure and function (PolyPhen-2) suggests that this variant is likely to be disruptive. In summary, the available evidence is currently insufficient to determine the role of this variant in disease. Therefore, it has been classified as a Variant of Uncertain Significance.

Ambry Genetics
Classification: Uncertain significance for Cardiovascular phenotype. Last evaluated: 2018-09-19. Review status: criteria provided, single submitter. Criteria: Ambry Variant Classification Scheme 2023. Collection method: clinical testing. Allele origin: germline.
Comment: The p.S241L variant (also known as c.722C>T), located in coding exon 4 of the JUP gene, results from a C to T substitution at nucleotide position 722. The serine at codon 241 is replaced by leucine, an amino acid with dissimilar properties. This amino acid position is highly conserved in available vertebrate species. In addition, this alteration is predicted to be deleterious by in silico analysis. Since supporting evidence is limited at this time, the clinical significance of this alteration remains unclear.